The following is an entry in ClinVar:

NM_001626.6(AKT2):c.1039C>T (p.Arg347Cys)

Gene: AKT2 (AKT serine/threonine kinase 2; minus strand). Cytogenetic location: 19q13.2.
Variant type: single nucleotide variant.
Coding change: c.1039C>T on transcript NM_001626.6 (MANE Select); coding-DNA position 1039, C replaced by T.
Protein change: p.Arg347Cys; replaces arginine 347 with cysteine.
Molecular consequence: missense variant.
Genome position (GRCh38, 1-based): chr19:40,236,026, G>A on the plus strand (C>T on the coding strand, the complement: AKT2 is on the minus strand). VCF-style: chr19-40236026-G-A. GRCh37 (hg19) VCF-style: chr19-40741933-G-A.
Other names: c.853C>T, p.Arg285Cys (NM_001243027.3, NM_001243028.3); c.910C>T, p.Arg304Cys (NM_001330511.1); short protein forms R285C, R304C, R347C.
Identifiers: ClinVar variation 2056979 (VCV002056979.7), dbSNP rs145305228, ClinGen allele CA9441601.

ClinVar aggregate classification (germline): Uncertain significance. Review status: criteria provided, multiple submitters, no conflicts (2 of 4 stars). 2 submissions from 2 submitters: Uncertain significance (2). Last evaluated 2023-01-06.

Conditions:
Type 2 diabetes mellitus. Also called: Type II diabetes mellitus. Identifiers: MedGen C0011860, MeSH D003924, MONDO:0005148, OMIM 125853, HP:0005978.
Hypoinsulinemic hypoglycemia and body hemihypertrophy. Also called: Hypoinsulinemic hypoglycemia and hemihypertrophy. Identifiers: Orphanet 293964, MedGen C3278384, MONDO:0009416, OMIM 240900.

Allele frequency attached by ClinVar (database versions not stated): gnomAD 0.00001; TOPMed 0.00001; ExAC 0.00002; gnomAD exomes 0.00004; ESP Exome Variant Server 0.00008.
gnomAD v4.1: 53 of 1,613,968 alleles (0.0033%); highest among the groups gnomAD compares: Non-Finnish European, 0.0043%; no homozygotes.

Submissions (2):

Revvity Omics, Revvity
Classification: Uncertain significance. Last evaluated: 2023-01-06. Review status: criteria provided, single submitter. Criteria: ACMG Guidelines, 2015. Collection method: clinical testing. Allele origin: germline.

Labcorp Genetics (formerly Invitae), Labcorp
Classification: Uncertain significance for Hypoinsulinemic hypoglycemia and body hemihypertrophy; Type 2 diabetes mellitus. Last evaluated: 2022-01-17. Review status: criteria provided, single submitter. Criteria: Invitae Variant Classification Sherloc (09022015). Collection method: clinical testing. Allele origin: germline.
Comment: This variant has not been reported in the literature in individuals affected with AKT2-related conditions. In summary, the available evidence is currently insufficient to determine the role of this variant in disease. Therefore, it has been classified as a Variant of Uncertain Significance. Algorithms developed to predict the effect of missense changes on protein structure and function (SIFT, PolyPhen-2, Align-GVGD) all suggest that this variant is likely to be disruptive. This variant is present in population databases (rs145305228, gnomAD 0.003%). This sequence change replaces arginine, which is basic and polar, with cysteine, which is neutral and slightly polar, at codon 347 of the AKT2 protein (p.Arg347Cys).